The following is an entry in ClinVar:

NM_001136472.2(LITAF):c.409T>C (p.Cys137Arg)

Gene: LITAF (lipopolysaccharide induced TNF factor; minus strand). Cytogenetic location: 16p13.13.
Variant type: single nucleotide variant.
Coding change: c.409T>C on transcript NM_001136472.2 (MANE Select); coding-DNA position 409, T replaced by C.
Protein change: p.Cys137Arg; replaces cysteine 137 with arginine.
Molecular consequence: missense variant. On other transcripts: 3 prime UTR variant (1), non-coding transcript variant (1).
Genome position (GRCh38, 1-based): chr16:11,549,714, A>G on the plus strand (T>C on the coding strand, the complement: LITAF is on the minus strand). VCF-style: chr16-11549714-A-G. GRCh37 (hg19) VCF-style: chr16-11643570-A-G.
Other names: c.*48T>C (NM_001136473.1); c.409T>C, p.Cys137Arg (NM_004862.4); short protein forms C137R.
Identifiers: ClinVar variation 954546 (VCV000954546.9), dbSNP rs2064155943, ClinGen allele CA394763545.

ClinVar aggregate classification (germline): Uncertain significance (1 of 4 stars; one submission).

Conditions:
Charcot-Marie-Tooth disease type 1C. Also called: CMT, SLOW NERVE CONDUCTION TYPE C; HMSN IC; CHARCOT-MARIE-TOOTH NEUROPATHY, TYPE 1C; NEUROPATHY, HEREDITARY MOTOR AND SENSORY, TYPE IC; CHARCOT-MARIE-TOOTH DISEASE, DEMYELINATING, TYPE 1C; Charcot-Marie-Tooth disease, type IC. Identifiers: Orphanet 101083, MedGen C0270913, MONDO:0010995, OMIM 601098.

Submission:

Labcorp Genetics (formerly Invitae), Labcorp
Classification: Uncertain significance for Charcot-Marie-Tooth disease type 1C. Last evaluated: 2022-06-13. Review status: criteria provided, single submitter. Criteria: Invitae Variant Classification Sherloc (09022015). Collection method: clinical testing. Allele origin: germline.
Comment: This sequence change replaces cysteine, which is neutral and slightly polar, with arginine, which is basic and polar, at codon 137 of the LITAF protein (p.Cys137Arg). This variant is not present in population databases (gnomAD no frequency). This variant has not been reported in the literature in individuals affected with LITAF-related conditions. ClinVar contains an entry for this variant (Variation ID: 954546). Algorithms developed to predict the effect of missense changes on protein structure and function are either unavailable or do not agree on the potential impact of this missense change (SIFT: "Deleterious"; PolyPhen-2: "Probably Damaging"; Align-GVGD: "Class C0"). In summary, the available evidence is currently insufficient to determine the role of this variant in disease. Therefore, it has been classified as a Variant of Uncertain Significance.